The following is an entry in ClinVar:

NM_018979.4(WNK1):c.2052A>G (p.Ala684=)

Gene: WNK1 (WNK lysine deficient protein kinase 1; plus strand). Cytogenetic location: 12p13.33.
Variant type: single nucleotide variant.
Coding change: c.2052A>G on transcript NM_018979.4 (MANE Select); coding-DNA position 2052, A replaced by G.
Protein change: p.Ala684=; no amino-acid change (alanine 684 retained).
Molecular consequence: synonymous variant.
Genome position (GRCh38, 1-based): chr12:862,183, A>G. VCF-style: chr12-862183-A-G. GRCh37 (hg19) VCF-style: chr12-971349-A-G.
Other names: p.Ala684=; c.2052A>G, p.Ala684= (NM_001184985.2, NM_014823.3, NM_213655.5).
Identifiers: ClinVar variation 310743 (VCV000310743.22), dbSNP rs72648690, ClinGen allele CA6382095.
Genomic context (GRCh38, chr12:862,183, plus strand): 5'-CACAGAATCTCGAGTGAGCAGCCAACAGACAGTTTCATATGGTTCCCAACATGAACAGGC[A>G]CATTCTACAGGCACAGTCCCAGGGCATATACCTTCTACTGTCCAAGCACAGTCTCAGCCC-3'
Protein context (NP_061852.3, residues 674-694): TVSYGSQHEQ[Ala684=]HSTGTVPGHI

ClinVar aggregate classification (germline): Benign/Likely benign. Review status: criteria provided, multiple submitters, no conflicts (2 of 4 stars). 7 submissions from 7 submitters: Benign (3); Likely benign (4). Last evaluated 2026-01-19.

Conditions:
Pseudohypoaldosteronism type 2C (PHA2C). Also called: Pseudohypoaldosteronism Type IIC. Identifiers: Orphanet 757, Orphanet 88940, MedGen C1840391, MONDO:0013778, OMIM 614492.
Neuropathy, hereditary sensory and autonomic, type 2A (HSAN2A). Also called: MORVAN DISEASE; NEUROPATHY, CONGENITAL SENSORY; NEUROPATHY, HEREDITARY SENSORY RADICULAR, AUTOSOMAL RECESSIVE; NEUROPATHY, HEREDITARY SENSORY, TYPE IIA; NEUROPATHY, PROGRESSIVE SENSORY, OF CHILDREN; ACROOSTEOLYSIS, GIACCAI TYPE. Identifiers: Orphanet 970, MedGen C2752089, MONDO:0024309, OMIM 201300.

Allele frequency attached by ClinVar (database versions not stated): gnomAD exomes 0.00031 and 0.00086; ExAC 0.00104; 1000 Genomes Project 0.00300; 1000 Genomes Project 30x 0.00344; gnomAD 0.00376 and 0.00413; ESP Exome Variant Server 0.00415; TOPMed 0.00428.
gnomAD v4.1: 1,038 of 1,614,170 alleles (0.064%); highest among the groups gnomAD compares: African/African-American, 1.3%; 6 homozygotes.

Submissions (7):

Labcorp Genetics (formerly Invitae), Labcorp
Classification: Benign for Neuropathy, hereditary sensory and autonomic, type 2A; Pseudohypoaldosteronism type 2C. Last evaluated: 2026-01-19. Review status: criteria provided, single submitter. Criteria: Invitae Variant Classification Sherloc (09022015). Collection method: clinical testing. Allele origin: germline.

Mayo Clinic Laboratories, Mayo Clinic
Classification: Likely benign. Last evaluated: 2025-12-05. Review status: criteria provided, single submitter. Criteria: ACMG Guidelines, 2015. Collection method: clinical testing. Allele origin: germline. Observed: 4 variant alleles.
Comment: BS1, BP4, BP7

Blueprint Genetics
Classification: Likely benign. Last evaluated: 2024-11-14. Review status: criteria provided, single submitter. Criteria: ACMG Guidelines, 2015. Collection method: clinical testing. Allele origin: germline.

Fulgent Genetics
Classification: Benign for Neuropathy, hereditary sensory and autonomic, type 2A; Pseudohypoaldosteronism type 2C. Last evaluated: 2021-08-16. Review status: criteria provided, single submitter. Criteria: ACMG Guidelines, 2015. Collection method: clinical testing. Allele origin: unknown.

GeneDx
Classification: Likely benign. Last evaluated: 2019-07-22. Review status: criteria provided, single submitter. Criteria: GeneDx Variant Classification Process June 2021. Collection method: clinical testing. Allele origin: germline. Affected: yes.

Illumina Laboratory Services, Illumina
Classification: Benign for Pseudohypoaldosteronism type 2C. Last evaluated: 2018-01-12. Review status: criteria provided, single submitter. Criteria: ICSL Variant Classification Criteria 13 December 2019. Collection method: clinical testing. Allele origin: germline.
Comment: This variant was observed in the ICSL laboratory as part of a predisposition screen in an ostensibly healthy population. It had not been previously curated by ICSL or reported in the Human Gene Mutation Database (HGMD: prior to June 1st, 2018), and was therefore a candidate for classification through an automated scoring system. Utilizing variant allele frequency, disease prevalence and penetrance estimates, and inheritance mode, an automated score was calculated to assess if this variant is too frequent to cause the disease. Based on the score and internal cut-off values, a variant classified as benign is not then subjected to further curation. The score for this variant resulted in a classification of benign for this disease.

Breakthrough Genomics
Classification: Likely benign. Review status: criteria provided, single submitter. Criteria: ACMG Guidelines, 2015. Collection method: not provided. Allele origin: germline. Inheritance: Autosomal recessive inheritance. Affected: yes.